The following is an entry in ClinVar:

NM_001267550.2(TTN):c.90864_90867dup (p.Val30290fs)

Genes: TTN (titin; minus strand), TTN-AS1 (TTN antisense RNA 1; plus strand). Cytogenetic location: 2q31.2.
Variant type: Duplication.
Coding change: c.90864_90867dup on transcript NM_001267550.2 (MANE Select); coding-DNA positions 90864 to 90867, 4 bases duplicated (TCTA; older notation c.90864_90867dupTCTA).
Protein change: p.Val30290fs; shifts the reading frame from valine 30290.
Molecular consequence: frameshift variant.
Genome position (GRCh38, 1-based): chr2:178,552,033-178,552,036, TAGA duplicated on the plus strand (TCTA on the coding strand, the reverse complement: TTN is on the minus strand); duplicating any 4 consecutive bases within chr2:178,552,033-178,552,037 gives the same sequence; the c. name uses the placement nearest the transcript's 3' end. VCF-style (leftmost placement, unchanged base first): chr2-178552032-C-CTAGA. GRCh37 (hg19) VCF-style: chr2-179416759-C-CTAGA.
Other names: c.85941_85944dup, p.Val28649fs (NM_001256850.1); c.63669_63672dup, p.Val21225fs (NM_003319.4); c.83160_83163dup, p.Val27722fs (NM_133378.4); c.64044_64047dup, p.Val21350fs (NM_133432.3); c.64245_64248dup, p.Val21417fs (NM_133437.4); c.63669_63672dupTCTA (NM_003319.4); short protein forms V28649fs, V30290fs, V27722fs, V21417fs, V21225fs, V21350fs.
Identifiers: ClinVar variation 3975796 (VCV003975796.1).

ClinVar aggregate classification (germline): Likely pathogenic (1 of 4 stars; one submission).

Conditions:
Cardiovascular phenotype. Identifiers: MedGen CN230736.

Submission:

Ambry Genetics
Classification: Likely pathogenic for Cardiovascular phenotype. Last evaluated: 2025-05-03. Review status: criteria provided, single submitter. Criteria: Ambry Variant Classification Scheme 2023. Collection method: clinical testing. Allele origin: germline.
Comment: The c.63669_63672dupTCTA variant, located in coding exon 162 of the TTN gene, results from a duplication of TCTA at nucleotide position 63669, causing a translational frameshift with a predicted alternate stop codon (p.V21225Sfs*6). This exon is located in the A-band region of the N2-B isoform of the titin protein and is constitutively expressed in TTN transcripts (percent spliced in or PSI 100%). This variant is considered to be rare based on population cohorts in the Genome Aggregation Database (gnomAD). This variant was reported in individual(s) with features consistent with dilated cardiomyopathy (Ambry internal data). This variant is expected to result in loss of function by premature protein truncation or nonsense-mediated mRNA decay. While truncating variants in TTN are present in 1-3% of the general population, truncating variants in the A-band are the most common cause of dilated cardiomyopathy (Herman DS et al. N. Engl. J. Med., 2012 Feb;366:619-28; Roberts AM et al. Sci Transl Med, 2015 Jan;7:270ra6). TTN truncating variants encoded in constitutive exons (PSI >90%) have been found to be significantly associated with DCM regardless of their position in titin (Schafer S et al. Nat. Genet., 2017 01;49:46-53; Akhtar MM et al. Circ Heart Fail, 2020 Oct;13:e006832; Massier M et al. Clin Genet, 2025 Jan). Based on the majority of available evidence to date, this variant is likely to be pathogenic.